The following is an entry in ClinVar:

NM_007294.4(BRCA1):c.4648A>G (p.Thr1550Ala)

Gene: BRCA1 (BRCA1 DNA repair associated; minus strand). Cytogenetic location: 17q21.31.
Variant type: single nucleotide variant.
Coding change: c.4648A>G on transcript NM_007294.4 (MANE Select); coding-DNA position 4648, A replaced by G.
Protein change: p.Thr1550Ala; replaces threonine 1550 with alanine.
Molecular consequence: missense variant. On other transcripts: non-coding transcript variant (1).
Genome position (GRCh38, 1-based): chr17:43,074,358, T>C on the plus strand (A>G on the coding strand, the complement: BRCA1 is on the minus strand). VCF-style: chr17-43074358-T-C. GRCh37 (hg19) VCF-style: chr17-41226375-T-C.
Other names: c.1222A>G, p.Thr408Ala (NM_001408418.1, NM_001408419.1, NM_001408420.1); c.1219A>G, p.Thr407Ala (NM_001408421.1, NM_001408422.1, NM_001408423.1 and 1 more transcripts); c.1213A>G, p.Thr405Ala (NM_001408437.1, NM_001408438.1, NM_001408439.1 and 10 more transcripts); c.1216A>G, p.Thr406Ala (NM_001408425.1, NM_001408426.1, NM_001408427.1 and 4 more transcripts); c.4435A>G, p.Thr1479Ala (NM_001407571.1, NM_001407894.1, NM_001407895.1 and 12 more transcripts); c.4714A>G, p.Thr1572Ala (NM_001407581.1, NM_001407582.1); c.4711A>G, p.Thr1571Ala (NM_001407583.1, NM_001407585.1, NM_001407587.1 and 1 more transcripts); c.4708A>G, p.Thr1570Ala (NM_001407590.1, NM_001407591.1); and 68 more; short protein forms T1550A, T1571A, T446A, T1503A, T1421A, T1423A, T1437A, T1481A.
Identifiers: ClinVar variation 954020 (VCV000954020.12), dbSNP rs1193177255, ClinGen allele CA10592216.
Genomic context (GRCh38, chr17:43,074,358, plus strand): 5'-GTGTTTGTTCCAATACAGCAGATGAAATATTACCTAGATCTTGCCTTGGCAAGTAAGATG[T>C]TTCCGTCAAATCGTGTGGCCCAGACTCTTCCAGCTGTTGCTCCTCCACATCAACAACCTT-3'
Protein context (NP_009225.1, residues 1540-1560): EESGPHDLTE[Thr1550Ala]SYLPRQDLEG

ClinVar aggregate classification (germline): Uncertain significance. Review status: criteria provided, multiple submitters, no conflicts (2 of 4 stars). 2 submissions from 2 submitters: Uncertain significance (2). Last evaluated 2023-10-16.

Conditions:
Hereditary breast ovarian cancer syndrome. Also called: Hereditary breast and ovarian cancer; Hereditary breast and/or ovarian cancer syndrome; Hereditary breast and ovarian cancer syndrome; Hereditary breast and ovarian cancer syndrome (HBOC); Breast and ovarian cancer; BRCA1- and BRCA2-Associated Hereditary Breast and Ovarian Cancer. Identifiers: Orphanet 145, MedGen C0677776, MeSH D061325, MONDO:0003582. Disease mechanism: loss of function.
Hereditary cancer-predisposing syndrome. Also called: Hereditary neoplastic syndrome; Tumor predisposition; Neoplastic Syndromes, Hereditary; Hereditary Cancer Syndrome. Identifiers: Orphanet 140162, MedGen C0027672, MeSH D009386, MONDO:0015356.

Allele frequency attached by ClinVar (database versions not stated): gnomAD exomes below 0.00001.
gnomAD v4.1: 1 of 1,614,062 alleles (0.000062%); highest among the groups gnomAD compares: South Asian, 0.0011%; no homozygotes.

Submissions (2):

Ambry Genetics
Classification: Uncertain significance for Hereditary cancer-predisposing syndrome. Last evaluated: 2023-10-16. Review status: criteria provided, single submitter. Criteria: Ambry Variant Classification Scheme 2023. Collection method: clinical testing. Allele origin: germline.
Comment: The p.T1550A variant (also known as c.4648A>G), located in coding exon 13 of the BRCA1 gene, results from an A to G substitution at nucleotide position 4648. The threonine at codon 1550 is replaced by alanine, an amino acid with similar properties. This amino acid position is poorly conserved in available vertebrate species. In addition, the in silico prediction for this alteration is inconclusive. Since supporting evidence is limited at this time, the clinical significance of this alteration remains unclear.

Labcorp Genetics (formerly Invitae), Labcorp
Classification: Uncertain significance for Hereditary breast ovarian cancer syndrome. Last evaluated: 2019-10-01. Review status: criteria provided, single submitter. Criteria: Invitae Variant Classification Sherloc (09022015). Collection method: clinical testing. Allele origin: germline.
Comment: This variant has not been reported in the literature in individuals with BRCA1-related conditions. Algorithms developed to predict the effect of missense changes on protein structure and function (SIFT, PolyPhen-2, Align-GVGD) all suggest that this variant is likely to be tolerated, but these predictions have not been confirmed by published functional studies and their clinical significance is uncertain. In summary, the available evidence is currently insufficient to determine the role of this variant in disease. Therefore, it has been classified as a Variant of Uncertain Significance. This variant is not present in population databases (ExAC no frequency). This sequence change replaces threonine with alanine at codon 1550 of the BRCA1 protein (p.Thr1550Ala). The threonine residue is weakly conserved and there is a small physicochemical difference between threonine and alanine.